The following is an entry in ClinVar:

ClinVar aggregate classification (germline): Pathogenic (1 of 4 stars; one submission).

Submission:

Labcorp Genetics (formerly Invitae), Labcorp
Classification: Pathogenic. Last evaluated: 2023-10-05. Review status: criteria provided, single submitter. Criteria: Invitae Variant Classification Sherloc (09022015). Collection method: clinical testing. Allele origin: germline.
Comment: This sequence change creates a premature translational stop signal (p.Cys34Valfs*69) in the COL27A1 gene. It is expected to result in an absent or disrupted protein product. Loss-of-function variants in COL27A1 are known to be pathogenic (PMID: 24986830, 28276056). This variant is not present in population databases (gnomAD no frequency). This variant has not been reported in the literature in individuals affected with COL27A1-related conditions. For these reasons, this variant has been classified as Pathogenic.

Literature cited by the submitters: PubMed 24986830; PubMed 28276056.

NM_032888.4(COL27A1):c.99del (p.Cys34fs)

Gene: COL27A1 (collagen type XXVII alpha 1 chain; plus strand). Cytogenetic location: 9q32.
Variant type: Deletion.
Coding change: c.99del on transcript NM_032888.4 (MANE Select); coding-DNA position 99, one base deleted (C; older notation c.99delC).
Protein change: p.Cys34fs; shifts the reading frame from cysteine 34.
Molecular consequence: frameshift variant.
Genome position (GRCh38, 1-based): chr9:114,162,751, C deleted; the last of 2 consecutive C bases (chr9:114,162,750-114,162,751); deleting either gives the same sequence. VCF-style (leftmost placement, unchanged base first): chr9-114162749-GC-G. GRCh37 (hg19) VCF-style: chr9-116925029-GC-G.
Other names: short protein forms C34fs.
Identifiers: ClinVar variation 2765687 (VCV002765687.3), dbSNP rs2490484546, ClinGen allele CA2697557985.